The following is an entry in ClinVar:

NM_000548.5(TSC2):c.1579C>G (p.Leu527Val)

Gene: TSC2 (TSC complex subunit 2; plus strand). Cytogenetic location: 16p13.3.
Variant type: single nucleotide variant.
Coding change: c.1579C>G on transcript NM_000548.5 (MANE Select); coding-DNA position 1579, C replaced by G.
Protein change: p.Leu527Val; replaces leucine 527 with valine.
Molecular consequence: missense variant. On other transcripts: 5 prime UTR variant (1), non-coding transcript variant (5).
Genome position (GRCh38, 1-based): chr16:2,064,407, C>G. VCF-style: chr16-2064407-C-G. GRCh37 (hg19) VCF-style: chr16-2114408-C-G.
Other names: c.979C>G, p.Leu327Val (NM_001406683.1, NM_001406684.1, NM_001406685.1 and 6 more transcripts); c.235C>G, p.Leu79Val (NM_001406689.1, NM_001406690.1, NM_001406691.1 and 6 more transcripts); c.1567C>G, p.Leu523Val (NM_001406673.1, NM_001406671.1); c.1432C>G, p.Leu478Val (NM_001406675.1, NM_001406676.1, NM_001406679.1 and 1 more transcripts); c.1522C>G, p.Leu508Val (NM_001406677.1); c.1468C>G, p.Leu490Val (NM_001406678.1, NM_001318827.2, NM_001406670.1); c.1117C>G, p.Leu373Val (NM_001406681.1); c.1579C>G, p.Leu527Val (NM_001077183.3, NM_001114382.3, NM_001363528.2 and 6 more transcripts); and 3 more; short protein forms L508V, L557V, L327V, L478V, L527V, L373V, L523V, L538V.
Identifiers: ClinVar variation 4192149 (VCV004192149.1).
Genomic context (GRCh38, chr16:2,064,407, plus strand): 5'-CTGGCCACCCAGTTGCTGGTGGACCTGGCAGAGGGCTGCCACACACACCACTTCAACAGC[C>G]TGCTGGACATCATCGAGAAGGTGAGAGCCGTTGTACCCGGGGCCGGGTGCTAGCGTGCCA-3'
Protein context (NP_000539.2, residues 517-537): EGCHTHHFNS[Leu527Val]LDIIEKVMAR

ClinVar aggregate classification (germline): Uncertain significance (1 of 4 stars; one submission).

Conditions:
Hereditary cancer-predisposing syndrome. Also called: Neoplastic Syndromes, Hereditary; Tumor predisposition; Hereditary Cancer Syndrome; Hereditary neoplastic syndrome. Identifiers: Orphanet 140162, MedGen C0027672, MeSH D009386, MONDO:0015356.

gnomAD v4.1: 1 of 1,613,708 alleles (0.000062%); highest among the groups gnomAD compares: Non-Finnish European, 0.000085%; no homozygotes.

Submission:

Ambry Genetics
Classification: Uncertain significance for Hereditary cancer-predisposing syndrome. Last evaluated: 2025-07-15. Review status: criteria provided, single submitter. Criteria: Ambry Variant Classification Scheme 2023. Collection method: clinical testing. Allele origin: germline.
Comment: The p.L527V variant (also known as c.1579C>G), located in coding exon 14 of the TSC2 gene, results from a C to G substitution at nucleotide position 1579. The leucine at codon 527 is replaced by valine, an amino acid with highly similar properties. This amino acid position is highly conserved in available vertebrate species. In addition, this alteration is predicted to be deleterious by in silico analysis. Based on the available evidence, the clinical significance of this variant remains unclear.